The following is an entry in ClinVar:

NM_000051.4(ATM):c.5807T>C (p.Leu1936Ser)

Genes: ATM (ATM serine/threonine kinase; plus strand), C11orf65 (chromosome 11 open reading frame 65; minus strand). Cytogenetic location: 11q22.3.
Variant type: single nucleotide variant.
Coding change: c.5807T>C on transcript NM_000051.4 (MANE Select); coding-DNA position 5807, T replaced by C.
Protein change: p.Leu1936Ser; replaces leucine 1936 with serine.
Molecular consequence: missense variant. On other transcripts: intron variant (2).
Genome position (GRCh38, 1-based): chr11:108,310,204, T>C. VCF-style: chr11-108310204-T-C. GRCh37 (hg19) VCF-style: chr11-108180931-T-C.
Other names: c.641-1133A>G (NM_001330368.2); c.*39-1133A>G (NM_001351110.2); c.5807T>C, p.Leu1936Ser (NM_001351834.2); short protein forms L1936S.
Identifiers: ClinVar variation 3222001 (VCV003222001.1), dbSNP rs2547027170, ClinGen allele CA382548369.

ClinVar aggregate classification (germline): Uncertain significance (1 of 4 stars; one submission).

Conditions:
Hereditary cancer-predisposing syndrome. Also called: Tumor predisposition; Hereditary Cancer Syndrome; Hereditary neoplastic syndrome; Neoplastic Syndromes, Hereditary. Identifiers: Orphanet 140162, MedGen C0027672, MeSH D009386, MONDO:0015356.

Submission:

Ambry Genetics
Classification: Uncertain significance for Hereditary cancer-predisposing syndrome. Last evaluated: 2024-03-12. Review status: criteria provided, single submitter. Criteria: Ambry Variant Classification Scheme 2023. Collection method: clinical testing. Allele origin: germline.
Comment: The p.L1936S variant (also known as c.5807T>C), located in coding exon 38 of the ATM gene, results from a T to C substitution at nucleotide position 5807. The leucine at codon 1936 is replaced by serine, an amino acid with dissimilar properties. This amino acid position is conserved. In addition, this alteration is predicted to be deleterious by in silico analysis. Based on the available evidence, the clinical significance of this alteration remains unclear.